The following is an entry in ClinVar:

NM_017777.4(MKS1):c.1475G>A (p.Cys492Tyr)

Gene: MKS1 (MKS transition zone complex subunit 1; minus strand). Cytogenetic location: 17q22.
Variant type: single nucleotide variant.
Coding change: c.1475G>A on transcript NM_017777.4 (MANE Select); coding-DNA position 1475, G replaced by A.
Protein change: p.Cys492Tyr; replaces cysteine 492 with tyrosine.
Molecular consequence: missense variant. On other transcripts: intron variant (2).
Genome position (GRCh38, 1-based): chr17:58,206,480, C>T on the plus strand (G>A on the coding strand, the complement: MKS1 is on the minus strand). VCF-style: chr17-58206480-C-T. GRCh37 (hg19) VCF-style: chr17-56283841-C-T.
Other names: c.866G>A, p.Cys289Tyr (NM_001321268.2); c.1274-100G>A (NM_001330397.2); c.1408-100G>A (NM_001321269.2); short protein forms C289Y, C492Y.
Identifiers: ClinVar variation 4991032 (VCV004991032.1).

ClinVar aggregate classification (germline): Uncertain significance (1 of 4 stars; one submission).

Conditions:
MKS1-related disorder. Also called: MKS1-related disorders; MKS1-related condition. Identifiers: MedGen CN239382.

Submission:

PreventionGenetics, part of Exact Sciences
Classification: Uncertain significance for MKS1-related condition. Last evaluated: 2026-07-20. Review status: criteria provided, single submitter. Criteria: ACMG Guidelines, 2015. Collection method: clinical testing. Allele origin: germline.
Comment: The MKS1 c.1475G>A variant is predicted to result in the amino acid substitution p.Cys492Tyr. To our knowledge, this variant has not been reported in the literature or in a large population database (gnomAD), indicating this variant is rare. At this time, the clinical significance of this variant is uncertain due to the absence of conclusive functional and genetic evidence.